The following is an entry in ClinVar:

NM_000256.3(MYBPC3):c.3200G>A (p.Ser1067Asn)

Gene: MYBPC3 (myosin binding protein C3; minus strand). Cytogenetic location: 11p11.2.
Variant type: single nucleotide variant.
Coding change: c.3200G>A on transcript NM_000256.3 (MANE Select); coding-DNA position 3200, G replaced by A.
Protein change: p.Ser1067Asn; replaces serine 1067 with asparagine.
Molecular consequence: missense variant.
Genome position (GRCh38, 1-based): chr11:47,333,324, C>T on the plus strand (G>A on the coding strand, the complement: MYBPC3 is on the minus strand). VCF-style: chr11-47333324-C-T. GRCh37 (hg19) VCF-style: chr11-47354875-C-T.
Other names: c.3200G>A, p.Ser1067Asn (LRG_386t1); short protein forms S1067N.
Identifiers: ClinVar variation 656849 (VCV000656849.9), dbSNP rs1183349793, ClinGen allele CA380314533.

ClinVar aggregate classification (germline): Uncertain significance. Review status: criteria provided, multiple submitters, no conflicts (2 of 4 stars). 2 submissions from 2 submitters: Uncertain significance (2). Last evaluated 2020-06-11.

Conditions:
Cardiomyopathy (CMYO). Also called: Cardiomyopathies. Identifiers: Orphanet 167848, MedGen C0878544, MONDO:0004994, HP:0001638. Inheritance: Various modes of inheritance.
Hypertrophic cardiomyopathy. Also called: HYPERTROPHIC MYOCARDIOPATHY. Identifiers: Orphanet 217569, MedGen C0007194, MeSH D002312, MONDO:0005045, HP:0001639.

Allele frequency attached by ClinVar (database versions not stated): gnomAD exomes 0.00001.
gnomAD v4.1: 2 of 1,576,750 alleles (0.00013%); highest among the groups gnomAD compares: Non-Finnish European, 0.00017%; no homozygotes.

Submissions (2):

Victorian Clinical Genetics Services, Murdoch Childrens Research Institute
Classification: Uncertain significance for Cardiomyopathy. Last evaluated: 2020-06-11. Review status: criteria provided, single submitter. Criteria: ACMG Guidelines, 2015. Collection method: clinical testing. Allele origin: germline.
Comment: Based on the classification scheme VCGS_Germline_v1.3.2, this variant is classified as a VUS-3B. Following criteria are met: 0102 - Loss of function is a known mechanism of disease in this gene and is associated with disease. (I) 0108 - This gene is associated with both recessive and dominant disease. (OMIM). (I) 0112 - The condition associated with this gene has incomplete penetrance. (I) 0200 - Variant is predicted to result in a missense amino acid change from serine to asparagine (exon 30). (I) 0251 - This variant is heterozygous. (I) 0302 - Variant is present in gnomAD <0.001 for a dominant condition (1 heterozygote, 0 homozygotes). (SP) 0502 - Missense variant with conflicting in silico predictions and uninformative conservation. (I) 0600 - Variant is located in the annotated domain fibronectin domain type 3 (NCBI_Conserved_Domains, DECIPHER, RCSB-PDB). (I) 0705 - No comparable variants have previous evidence for pathogenicity. (I) 0809 - Previous evidence of pathogenicity for this variant is inconclusive. Reported once as a VUS in ClinVar (Invitae - HCM). (I) 0905 - No published segregation evidence has been identified for this variant. (I) 1007 - No published functional evidence has been identified for this variant. (I) 1208 - Inheritance information for this variant is not currently available in this individual. (I) Legend: (SP) - Supporting Pathogenic, (I) – Information, (SB) – Supporting Benign

Labcorp Genetics (formerly Invitae), Labcorp
Classification: Uncertain significance for Hypertrophic cardiomyopathy. Last evaluated: 2020-03-06. Review status: criteria provided, single submitter. Criteria: Invitae Variant Classification Sherloc (09022015). Collection method: clinical testing. Allele origin: germline.
Comment: This sequence change replaces serine with asparagine at codon 1067 of the MYBPC3 protein (p.Ser1067Asn). The serine residue is highly conserved and there is a small physicochemical difference between serine and asparagine. This variant is not present in population databases (ExAC no frequency). This variant has not been reported in the literature in individuals with MYBPC3-related conditions. Algorithms developed to predict the effect of missense changes on protein structure and function are either unavailable or do not agree on the potential impact of this missense change (SIFT: "Tolerated"; PolyPhen-2: "Possibly Damaging"; Align-GVGD: "Class C0"). In summary, the available evidence is currently insufficient to determine the role of this variant in disease. Therefore, it has been classified as a Variant of Uncertain Significance.